The following is an entry in ClinVar:

ClinVar aggregate classification (germline): Pathogenic (1 of 4 stars; one submission).

Conditions:
Perlman syndrome (PRLMNS). Identifiers: Orphanet 2849, MedGen C0796113, MONDO:0009965, OMIM 267000.

Submission:

Labcorp Genetics (formerly Invitae), Labcorp
Classification: Pathogenic for Perlman syndrome. Last evaluated: 2021-09-19. Review status: criteria provided, single submitter. Criteria: Invitae Variant Classification Sherloc (09022015). Collection method: clinical testing. Allele origin: germline.
Comment: For these reasons, this variant has been classified as Pathogenic. This variant has not been reported in the literature in individuals affected with DIS3L2-related conditions. This variant is a gross deletion of the genomic region encompassing exon(s) 6-9 of the DIS3L2 gene. This deletion is out-of-frame, and is expected to create a premature termination codon and result in an absent or disrupted protein product. Loss-of-function variants in DIS3L2 are known to be pathogenic (PMID: 22306653, 28328139).

Literature cited by the submitters: PubMed 22306653; PubMed 28328139.

NC_000002.11:g.(?_232952187)_(233028352_?)del

Gene: DIS3L2 (DIS3 like 3'-5' exoribonuclease 2; plus strand). Cytogenetic location: 2q37.1.
Variant type: Deletion.
Identifiers: ClinVar variation 1459583 (VCV001459583.4).